The following is an entry in ClinVar:

NM_080911.3(UNG):c.110C>A (p.Pro37His)

Genes: UNG (uracil DNA glycosylase; plus strand), LOC130008712 (ATAC-STARR-seq lymphoblastoid silent region 4838; plus strand). Cytogenetic location: 12q24.11.
Variant type: single nucleotide variant.
Coding change: c.110C>A on transcript NM_080911.3 (MANE Select); coding-DNA position 110, C replaced by A.
Protein change: p.Pro37His; replaces proline 37 with histidine.
Molecular consequence: missense variant.
Genome position (GRCh38, 1-based): chr12:109,097,789, C>A. VCF-style: chr12-109097789-C-A. GRCh37 (hg19) VCF-style: chr12-109535594-C-A.
Other names: short protein forms P37H.
Identifiers: ClinVar variation 1517560 (VCV001517560.8), dbSNP rs1205349419, ClinGen allele CA386468894.

ClinVar aggregate classification (germline): Uncertain significance (1 of 4 stars; one submission).

Conditions:
Hyper-IgM syndrome type 5 (HIGM5). Also called: Hyper-IgM Immunodeficiency Syndrome, Type 5. Identifiers: Orphanet 101092, MedGen C1720958, MONDO:0011971, OMIM 608106.

Submission:

Labcorp Genetics (formerly Invitae), Labcorp
Classification: Uncertain significance for Hyper-IgM syndrome type 5. Last evaluated: 2022-08-19. Review status: criteria provided, single submitter. Criteria: Invitae Variant Classification Sherloc (09022015). Collection method: clinical testing. Allele origin: germline.
Comment: This sequence change replaces proline, which is neutral and non-polar, with histidine, which is basic and polar, at codon 37 of the UNG protein (p.Pro37His). This variant is not present in population databases (gnomAD no frequency). This variant has not been reported in the literature in individuals affected with UNG-related conditions. ClinVar contains an entry for this variant (Variation ID: 1517560). Algorithms developed to predict the effect of missense changes on protein structure and function (SIFT, PolyPhen-2, Align-GVGD) all suggest that this variant is likely to be tolerated. In summary, the available evidence is currently insufficient to determine the role of this variant in disease. Therefore, it has been classified as a Variant of Uncertain Significance.